The following is an entry in ClinVar:

NM_002460.4(IRF4):c.52A>G (p.Ser18Gly)

Gene: IRF4 (interferon regulatory factor 4; plus strand). Cytogenetic location: 6p25.3.
Variant type: single nucleotide variant.
Coding change: c.52A>G on transcript NM_002460.4 (MANE Select); coding-DNA position 52, A replaced by G.
Protein change: p.Ser18Gly; replaces serine 18 with glycine.
Molecular consequence: missense variant. On other transcripts: non-coding transcript variant (1).
Genome position (GRCh38, 1-based): chr6:393,204, A>G. VCF-style: chr6-393204-A-G. GRCh37 (hg19) VCF-style: chr6-393204-A-G.
Other names: c.52A>G, p.Ser18Gly (NM_001195286.2); short protein forms S18G.
Identifiers: ClinVar variation 4886605 (VCV004886605.2).

ClinVar aggregate classification (germline): Uncertain significance (1 of 4 stars; one submission).

gnomAD v4.1: 7 of 1,558,616 alleles (0.00045%); highest among the groups gnomAD compares: Non-Finnish European, 0.00061%; no homozygotes.

Submission:

Dasa
Classification: Uncertain significance. Last evaluated: 2026-03-28. Review status: criteria provided, single submitter. Criteria: DASA Assertion Criteria. Collection method: clinical testing. Allele origin: germline.
Comment: NM_002460.4(IRF4):c.52A>G (p.Ser18Gly) is a missense variant that results in the substitution of serine with glycine. This variant is rare in population databases. Computational prediction algorithms are consistent with a deleterious effect. The currently available literature and clinical evidence are not sufficient to establish a definitive association between this variant and the reported condition. Therefore, this variant is classified as a variant of uncertain significance.